The following is an entry in ClinVar:

NM_152328.5(ADSS1):c.740C>A (p.Pro247His)

Gene: ADSS1 (adenylosuccinate synthase 1; plus strand). Cytogenetic location: 14q32.33.
Variant type: single nucleotide variant.
Coding change: c.740C>A on transcript NM_152328.5 (MANE Select); coding-DNA position 740, C replaced by A.
Protein change: p.Pro247His; replaces proline 247 with histidine.
Molecular consequence: missense variant.
Genome position (GRCh38, 1-based): chr14:104,741,190, C>A. VCF-style: chr14-104741190-C-A. GRCh37 (hg19) VCF-style: chr14-105207527-C-A.
Other names: c.125C>A, p.Pro42His (NM_001320424.1); c.869C>A, p.Pro290His (NM_199165.2); c.869C>A (NM_199165.1); short protein forms P247H, P290H, P42H.
Identifiers: ClinVar variation 1681962 (VCV001681962.6), dbSNP rs140869903, ClinGen allele CA7373831.

ClinVar aggregate classification (germline): Uncertain significance. Review status: criteria provided, multiple submitters, no conflicts (2 of 4 stars). 2 submissions from 2 submitters: Uncertain significance (2). Last evaluated 2025-05-20.

Conditions:
Inborn genetic diseases. Identifiers: MedGen C0950123, MeSH D030342.

gnomAD v4.1: 55 of 1,612,010 alleles (0.0034%); highest among the groups gnomAD compares: Non-Finnish European, 0.0042%; no homozygotes.

Submissions (2):

Ambry Genetics
Classification: Uncertain significance for Inborn genetic diseases. Last evaluated: 2025-05-20. Review status: criteria provided, single submitter. Criteria: Ambry Variant Classification Scheme 2023. Collection method: clinical testing. Allele origin: germline.

Labcorp Genetics (formerly Invitae), Labcorp
Classification: Uncertain significance. Last evaluated: 2022-07-26. Review status: criteria provided, single submitter. Criteria: Invitae Variant Classification Sherloc (09022015). Collection method: clinical testing. Allele origin: germline.
Comment: Algorithms developed to predict the effect of missense changes on protein structure and function are either unavailable or do not agree on the potential impact of this missense change (SIFT: "Not Available"; PolyPhen-2: "Probably Damaging"; Align-GVGD: "Not Available"). In summary, the available evidence is currently insufficient to determine the role of this variant in disease. Therefore, it has been classified as a Variant of Uncertain Significance. ClinVar contains an entry for this variant (Variation ID: 1681962). This sequence change replaces proline with histidine at codon 290 of the ADSSL1 protein (p.Pro290His). There is a moderate physicochemical difference between proline and histidine. This variant is present in population databases (rs140869903, gnomAD 0.0009%). This variant has not been reported in the literature in individuals affected with ADSSL1-related conditions.